The following is an entry in ClinVar:

NM_005751.5(AKAP9):c.4929A>G (p.Ile1643Met)

Genes: AKAP9 (A-kinase anchoring protein 9; plus strand), LOC121175350 (Sharpr-MPRA regulatory region 2641; plus strand). Cytogenetic location: 7q21.2.
Variant type: single nucleotide variant.
Coding change: c.4929A>G on transcript NM_005751.5 (MANE Select); coding-DNA position 4929, A replaced by G.
Protein change: p.Ile1643Met; replaces isoleucine 1643 with methionine.
Molecular consequence: missense variant.
Genome position (GRCh38, 1-based): chr7:92,042,057, A>G. VCF-style: chr7-92042057-A-G. GRCh37 (hg19) VCF-style: chr7-91671371-A-G.
Other names: c.4929A>G, p.Ile1643Met (NM_147185.3); short protein forms I1643M.
Identifiers: ClinVar variation 1744165 (VCV001744165.5), dbSNP rs756131845, ClinGen allele CA4336696.
Genomic context (GRCh38, chr7:92,042,057, plus strand): 5'-TTTTCTCTATCACAAACAGTATTCTTTCATGACCTTTTTTCTTATTTAGAGATCCTCCAT[A>G]GATAATGAAAACCTGGTTTCAGAGAGAGAGAGGGTGCTTTTAGAGGAGCTGGAAGCACTA-3'
Protein context (NP_005742.4, residues 1633-1653): LNRQLAQRSS[Ile1643Met]DNENLVSERE

ClinVar aggregate classification (germline): Conflicting classifications of pathogenicity. Review status: criteria provided, conflicting classifications (1 of 4 stars). 2 submissions from 2 submitters: Uncertain significance (1); Likely benign (1). Last evaluated 2025-11-06.

Conditions:
Cardiovascular phenotype. Identifiers: MedGen CN230736.
Long QT syndrome (LQTS). Identifiers: MedGen C0023976, MeSH D008133, MONDO:0002442. Disease mechanism: loss of function. Inheritance: Various modes of inheritance.

Allele frequency attached by ClinVar (database versions not stated): gnomAD exomes 0.00001; ExAC 0.00002.
gnomAD v4.1: 10 of 1,613,724 alleles (0.00062%); highest among the groups gnomAD compares: Non-Finnish European, 0.00085%; no homozygotes.

Submissions (2):

Ambry Genetics
Classification: Likely benign for Cardiovascular phenotype. Last evaluated: 2025-11-06. Review status: criteria provided, single submitter. Criteria: Ambry Variant Classification Scheme 2023. Collection method: clinical testing. Allele origin: germline.

Labcorp Genetics (formerly Invitae), Labcorp
Classification: Uncertain significance for Long QT syndrome. Last evaluated: 2024-03-24. Review status: criteria provided, single submitter. Criteria: Invitae Variant Classification Sherloc (09022015). Collection method: clinical testing. Allele origin: germline.
Comment: This sequence change replaces isoleucine, which is neutral and non-polar, with methionine, which is neutral and non-polar, at codon 1643 of the AKAP9 protein (p.Ile1643Met). This variant is present in population databases (rs756131845, gnomAD 0.003%). This variant has not been reported in the literature in individuals affected with AKAP9-related conditions. ClinVar contains an entry for this variant (Variation ID: 1744165). An algorithm developed to predict the effect of missense changes on protein structure and function (PolyPhen-2) suggests that this variant is likely to be disruptive. In summary, the available evidence is currently insufficient to determine the role of this variant in disease. Therefore, it has been classified as a Variant of Uncertain Significance.

Literature cited by the submitters: PubMed 25016126 (cited by Ambry Genetics).